The following is an entry in ClinVar:

NM_001267550.2(TTN):c.103137T>A (p.Ser34379Arg)

Genes: TTN (titin; minus strand), TTN-AS1 (TTN antisense RNA 1; plus strand). Cytogenetic location: 2q31.2.
Variant type: single nucleotide variant.
Coding change: c.103137T>A on transcript NM_001267550.2 (MANE Select); coding-DNA position 103137, T replaced by A.
Protein change: p.Ser34379Arg; replaces serine 34379 with arginine.
Molecular consequence: missense variant.
Genome position (GRCh38, 1-based): chr2:178,533,478, A>T on the plus strand (T>A on the coding strand, the complement: TTN is on the minus strand). VCF-style: chr2-178533478-A-T. GRCh37 (hg19) VCF-style: chr2-179398205-A-T.
Other names: c.98214T>A, p.Ser32738Arg (NM_001256850.1); c.75942T>A, p.Ser25314Arg (NM_003319.4); c.95433T>A, p.Ser31811Arg (NM_133378.4); c.76317T>A, p.Ser25439Arg (NM_133432.3); c.76518T>A, p.Ser25506Arg (NM_133437.4); short protein forms S34379R, S25314R, S25439R, S31811R, S32738R, S25506R.
Identifiers: ClinVar variation 2927358 (VCV002927358.3), dbSNP rs2468494939, ClinGen allele CA349415042.

ClinVar aggregate classification (germline): Uncertain significance (1 of 4 stars; one submission).

Conditions:
Dilated cardiomyopathy 1G (CMD1G). Identifiers: Orphanet 154, MedGen C1858763, MONDO:0011400, OMIM 604145.
Autosomal recessive limb-girdle muscular dystrophy type 2J (LGMDR10). Also called: Limb-girdle muscular dystrophy, type 2J; MUSCULAR DYSTROPHY, LIMB-GIRDLE, AUTOSOMAL RECESSIVE 10. Identifiers: Orphanet 140922, MedGen C1837342, MONDO:0012127, OMIM 608807.

Submission:

Labcorp Genetics (formerly Invitae), Labcorp
Classification: Uncertain significance for Dilated cardiomyopathy 1G; Autosomal recessive limb-girdle muscular dystrophy type 2J. Last evaluated: 2023-11-18. Review status: criteria provided, single submitter. Criteria: Invitae Variant Classification Sherloc (09022015). Collection method: clinical testing. Allele origin: germline.
Comment: This sequence change replaces serine, which is neutral and polar, with arginine, which is basic and polar, at codon 34379 of the TTN protein (p.Ser34379Arg). This variant is not present in population databases (gnomAD no frequency). This variant has not been reported in the literature in individuals affected with TTN-related conditions. Experimental studies and prediction algorithms are not available or were not evaluated, and the functional significance of this variant is currently unknown. This variant is located in the M band of TTN (PMID: 25589632). Variants in this region may be relevant for neuromuscular disorders, but have not been definitively shown to cause cardiomyopathy (PMID: 23975875). In summary, the available evidence is currently insufficient to determine the role of this variant in disease. Therefore, it has been classified as a Variant of Uncertain Significance.

Literature cited by the submitters: PubMed 25589632; PubMed 23975875.